The following is an entry in ClinVar:

NM_004281.4(BAG3):c.904_909+1del

Gene: BAG3 (BAG cochaperone 3; plus strand). Cytogenetic location: 10q26.11.
Variant type: Deletion.
Coding change: c.904_909+1del on transcript NM_004281.4 (MANE Select); coding-DNA position 904 through the canonical splice donor site of the intron after coding-DNA position 909, 7 bases deleted (CCTCAGG; older notation c.904_909+1delCCTCAGG).
Molecular consequence: splice donor variant.
Genome position (GRCh38, 1-based): chr10:119,672,651-119,672,657, CCTCAGG deleted; deleting any 7 consecutive bases within chr10:119,672,647-119,672,657 gives the same sequence; the c. name uses the placement nearest the transcript's 3' end. VCF-style (leftmost placement, unchanged base first): chr10-119672646-ACAGGCCT-A. GRCh37 (hg19) VCF-style: chr10-121432158-ACAGGCCT-A.
Identifiers: ClinVar variation 4526573 (VCV004526573.1).

ClinVar aggregate classification (germline): Likely pathogenic (1 of 4 stars; one submission).

Conditions:
Dilated cardiomyopathy 1HH (CMD1HH). Identifiers: Orphanet 154, MedGen C3151293, MONDO:0013479, OMIM 613881.

Submission:

Clinical Genetics Laboratory, Skane University Hospital Lund
Classification: Likely pathogenic for Dilated cardiomyopathy 1HH. Last evaluated: 2025-10-31. Review status: criteria provided, single submitter. Criteria: ACMG Guidelines, 2015. Collection method: clinical testing. Allele origin: germline. Inheritance: Autosomal dominant inheritance. Affected: yes.
Comment: ACMG criteria: PVS1_strong, PM2